The following is an entry in ClinVar:

ClinVar aggregate classification (germline): Likely pathogenic (1 of 4 stars; one submission).

gnomAD v4.1: 2 of 1,547,106 alleles (0.00013%); highest among the groups gnomAD compares: East Asian, 0.0024%; no homozygotes.

Submission:

Labcorp Genetics (formerly Invitae), Labcorp
Classification: Likely pathogenic. Last evaluated: 2025-06-02. Review status: criteria provided, single submitter. Criteria: Invitae Variant Classification Sherloc (09022015). Collection method: clinical testing. Allele origin: germline.
Comment: This sequence change affects a donor splice site in intron 19 of the TRAPPC9 gene. It is expected to disrupt RNA splicing. Variants that disrupt the donor or acceptor splice site typically lead to a loss of protein function (PMID: 16199547), and loss-of-function variants in TRAPPC9 are known to be pathogenic (PMID: 2000476, 20004763, 20004764). This variant is not present in population databases (gnomAD no frequency). This variant has not been reported in the literature in individuals affected with TRAPPC9-related conditions. ClinVar contains an entry for this variant (Variation ID: 2092624). Algorithms developed to predict the effect of sequence changes on RNA splicing suggest that this variant may disrupt the consensus splice site. In summary, the currently available evidence indicates that the variant is pathogenic, but additional data are needed to prove that conclusively. Therefore, this variant has been classified as Likely Pathogenic.

Literature cited by the submitters: PubMed 16199547; PubMed 2000476; PubMed 20004763; PubMed 20004764.

NM_001160372.4(TRAPPC9):c.2810+1G>A

Gene: TRAPPC9 (trafficking protein particle complex subunit 9; minus strand). Cytogenetic location: 8q24.3.
Variant type: single nucleotide variant.
Coding change: c.2810+1G>A on transcript NM_001160372.4 (MANE Select); the canonical splice donor site of the intron after coding-DNA position 2810, G replaced by A.
Molecular consequence: splice donor variant. On other transcripts: intron variant (1).
Genome position (GRCh38, 1-based): chr8:139,988,725, C>T on the plus strand (G>A on the coding strand, the complement: TRAPPC9 is on the minus strand). VCF-style: chr8-139988725-C-T. GRCh37 (hg19) VCF-style: chr8-140998933-C-T.
Other names: c.2810+1G>A (NM_031466.8); c.2783+1G>A (NM_001321646.2); c.2666+1G>A (NM_001374684.1); c.2699+35212G>A (NM_001374683.1); c.2831+1G>A (NM_001374682.1).
Identifiers: ClinVar variation 2092624 (VCV002092624.4), dbSNP rs2537254905, ClinGen allele CA372736790.